The following is an entry in ClinVar:

ClinVar aggregate classification (germline): Uncertain significance (1 of 4 stars; one submission).

Submission:

Women's Health and Genetics/Laboratory Corporation of America, LabCorp
Classification: Uncertain significance. Last evaluated: 2023-07-25. Review status: criteria provided, single submitter. Criteria: LabCorp Variant Classification Summary - May 2015. Collection method: clinical testing. Allele origin: germline.
Comment: Variant summary: FGFR3 c.2334delC (p.Ser779AlafsX41) causes a frameshift which disrupts the last 28 amino acids in the protein sequence, and also results in an extension of the protein. The variant was absent in 221746 control chromosomes (gnomAD). The available data on variant occurrences in the general population are insufficient to allow any conclusion about variant significance. To our knowledge, no occurrence of c.2334delC in individuals affected with Achondroplasia and no experimental evidence demonstrating its impact on protein function have been reported. No submitters have cited clinical-significance assessments for this variant to ClinVar after 2014. Based on the evidence outlined above, the variant was classified as uncertain significance.

NM_000142.5(FGFR3):c.2334del (p.Ser779fs)

Gene: FGFR3 (fibroblast growth factor receptor 3; plus strand). Cytogenetic location: 4p16.3.
Variant type: Deletion.
Coding change: c.2334del on transcript NM_000142.5 (MANE Select); coding-DNA position 2334, one base deleted (C; older notation c.2334delC).
Protein change: p.Ser779fs; shifts the reading frame from serine 779.
Molecular consequence: frameshift variant. On other transcripts: non-coding transcript variant (1).
Genome position (GRCh38, 1-based): chr4:1,807,175, C deleted; the last of 5 consecutive C bases (chr4:1,807,171-1,807,175); deleting any one gives the same sequence. VCF-style (leftmost placement, unchanged base first): chr4-1807170-AC-A. GRCh37 (hg19) VCF-style: chr4-1808897-AC-A.
Other names: c.2340del, p.Ser781fs (NM_001163213.2); c.2337del, p.Ser780fs (NM_001354809.2); c.2266del, p.Gln756fs (NM_001354810.2); c.1998del, p.Ser667fs (NM_022965.4); short protein forms Q756fs, S667fs, S779fs, S780fs, S781fs.
Identifiers: ClinVar variation 2577229 (VCV002577229.1), dbSNP rs1416045205, ClinGen allele CA645526902.